The following is an entry in ClinVar:

NM_058216.3(RAD51C):c.277dup (p.Gln93fs)

Gene: RAD51C (RAD51 paralog C; plus strand). Cytogenetic location: 17q22.
Variant type: Duplication.
Coding change: c.277dup on transcript NM_058216.3 (MANE Select); coding-DNA position 277, one base duplicated (C; older notation c.277dupC).
Protein change: p.Gln93fs; shifts the reading frame from glutamine 93.
Molecular consequence: frameshift variant. On other transcripts: non-coding transcript variant (2).
Genome position (GRCh38, 1-based): chr17:58,695,062, C duplicated. VCF-style (leftmost placement, unchanged base first): chr17-58695061-G-GC. GRCh37 (hg19) VCF-style: chr17-56772422-G-GC.
Other names: c.277dup, p.Gln93fs (NM_002876.4); short protein forms Q93fs.
Identifiers: ClinVar variation 3654174 (VCV003654174.2).

ClinVar aggregate classification (germline): Pathogenic (1 of 4 stars; one submission).

Conditions:
Fanconi anemia complementation group O. Also called: RAD51C-Related Fanconi Anemia. Identifiers: Orphanet 84, MedGen C3150653, MONDO:0013248, OMIM 613390.

Submission:

Labcorp Genetics (formerly Invitae), Labcorp
Classification: Pathogenic for Fanconi anemia complementation group O. Last evaluated: 2024-05-22. Review status: criteria provided, single submitter. Criteria: Invitae Variant Classification Sherloc (09022015). Collection method: clinical testing. Allele origin: germline.
Comment: This sequence change creates a premature translational stop signal (p.Gln93Profs*17) in the RAD51C gene. It is expected to result in an absent or disrupted protein product. Loss-of-function variants in RAD51C are known to be pathogenic (PMID: 20400964, 21990120, 24800917, 29278735). This variant is not present in population databases (gnomAD no frequency). This variant has not been reported in the literature in individuals affected with RAD51C-related conditions. For these reasons, this variant has been classified as Pathogenic.

Literature cited by the submitters: PubMed 20400964; PubMed 21990120; PubMed 24800917; PubMed 29278735.